The following is an entry in ClinVar:

NM_001282225.2(ADA2):c.298A>T (p.Asn100Tyr)

Gene: ADA2 (adenosine deaminase 2; minus strand). Cytogenetic location: 22q11.1.
Variant type: single nucleotide variant.
Coding change: c.298A>T on transcript NM_001282225.2 (MANE Select); coding-DNA position 298, A replaced by T.
Protein change: p.Asn100Tyr; replaces asparagine 100 with tyrosine.
Molecular consequence: missense variant. On other transcripts: intron variant (1).
Genome position (GRCh38, 1-based): chr22:17,209,380, T>A on the plus strand (A>T on the coding strand, the complement: ADA2 is on the minus strand). VCF-style: chr22-17209380-T-A. GRCh37 (hg19) VCF-style: chr22-17690270-T-A.
Other names: c.298A>T, p.Asn100Tyr (NM_001282226.2); c.172A>T, p.Asn58Tyr (NM_001282227.2, NM_001282228.2); c.-38-2090A>T (NM_001282229.2); short protein forms N100Y, N58Y.
Identifiers: ClinVar variation 2183797 (VCV002183797.4), dbSNP rs1226756070, ClinGen allele CA410230122.

ClinVar aggregate classification (germline): Uncertain significance (1 of 4 stars; one submission).

Conditions:
Deficiency of adenosine deaminase 2. Also called: Polyarteritis nodosa, childhoood-onset; Adenosine Deaminase 2 Deficiency; VASCULITIS, AUTOINFLAMMATION, IMMUNODEFICIENCY, AND HEMATOLOGIC DEFECTS SYNDROME. Identifiers: Orphanet 404553, MedGen C3887654, MONDO:0014306, OMIM 615688, MONDO:0100317.

Allele frequency attached by ClinVar (database versions not stated): gnomAD exomes below 0.00001; TOPMed below 0.00001.
gnomAD v4.1: 2 of 1,613,978 alleles (0.00012%); highest among the groups gnomAD compares: Non-Finnish European, 0.000085%; no homozygotes.

Submission:

Labcorp Genetics (formerly Invitae), Labcorp
Classification: Uncertain significance for Deficiency of adenosine deaminase 2. Last evaluated: 2022-07-23. Review status: criteria provided, single submitter. Criteria: Invitae Variant Classification Sherloc (09022015). Collection method: clinical testing. Allele origin: germline.
Comment: This sequence change replaces asparagine, which is neutral and polar, with tyrosine, which is neutral and polar, at codon 100 of the ADA2 protein (p.Asn100Tyr). This variant is present in population databases (no rsID available, gnomAD 0.0009%). In summary, the available evidence is currently insufficient to determine the role of this variant in disease. Therefore, it has been classified as a Variant of Uncertain Significance. Algorithms developed to predict the effect of missense changes on protein structure and function (SIFT, PolyPhen-2, Align-GVGD) all suggest that this variant is likely to be tolerated. This variant has not been reported in the literature in individuals affected with ADA2-related conditions.